The following is an entry in ClinVar:

ClinVar aggregate classification (germline): Uncertain significance (1 of 4 stars; one submission).

Conditions:
Cardiovascular phenotype. Identifiers: MedGen CN230736.

Submission:

Ambry Genetics
Classification: Uncertain significance for Cardiovascular phenotype. Last evaluated: 2024-06-07. Review status: criteria provided, single submitter. Criteria: Ambry Variant Classification Scheme 2023. Collection method: clinical testing. Allele origin: germline.
Comment: The p.M58R variant (also known as c.173T>G), located in coding exon 2 of the SOS1 gene, results from a T to G substitution at nucleotide position 173. The methionine at codon 58 is replaced by arginine, an amino acid with similar properties. This amino acid position is conserved. In addition, this alteration is predicted to be deleterious by in silico analysis. Based on the available evidence, the clinical significance of this variant remains unclear.

NM_005633.4(SOS1):c.173T>G (p.Met58Arg)

Gene: SOS1 (SOS Ras/Rac guanine nucleotide exchange factor 1; minus strand). Cytogenetic location: 2p22.1.
Variant type: single nucleotide variant.
Coding change: c.173T>G on transcript NM_005633.4 (MANE Select); coding-DNA position 173, T replaced by G.
Protein change: p.Met58Arg; replaces methionine 58 with arginine.
Molecular consequence: missense variant.
Genome position (GRCh38, 1-based): chr2:39,067,668, A>C on the plus strand (T>G on the coding strand, the complement: SOS1 is on the minus strand). VCF-style: chr2-39067668-A-C. GRCh37 (hg19) VCF-style: chr2-39294809-A-C.
Other names: c.152T>G, p.Met51Arg (NM_001382394.1); c.173T>G, p.Met58Arg (NM_001382395.1); short protein forms M51R, M58R.
Identifiers: ClinVar variation 3321549 (VCV003321549.1).